The following is an entry in ClinVar:

NM_001737.5(C9):c.355T>G (p.Cys119Gly)

Gene: C9 (complement C9; minus strand). Cytogenetic location: 5p13.1.
Variant type: single nucleotide variant.
Coding change: c.355T>G on transcript NM_001737.5 (MANE Select); coding-DNA position 355, T replaced by G.
Protein change: p.Cys119Gly; replaces cysteine 119 with glycine.
Molecular consequence: missense variant.
Genome position (GRCh38, 1-based): chr5:39,341,267, A>C on the plus strand (T>G on the coding strand, the complement: C9 is on the minus strand). VCF-style: chr5-39341267-A-C. GRCh37 (hg19) VCF-style: chr5-39341369-A-C.
Other names: C9, CYS98GLY; C98G; c.355T>G, p.Cys119Gly (LRG_32t1); short protein forms C119G.
Identifiers: ClinVar variation 17042 (VCV000017042.14), dbSNP rs121909593, ClinGen allele CA127046.
Genomic context (GRCh38, chr5:39,341,267, plus strand): 5'-GGGGCTCACTTTCACAATCATCCTCATCTGAAAAGTCTCCGCAGTCATTGTCACCATTAC[A>C]CCGAAGTCGCATCTTTATGCATCTGCCTGCAATCAAAATCAGGAGAGACTCAATGTATCT-3'
Protein context (NP_001728.1, residues 109-129): TGRCIKMRLR[Cys119Gly]NGDNDCGDFS

ClinVar aggregate classification (germline): Conflicting classifications of pathogenicity. Review status: criteria provided, conflicting classifications (1 of 4 stars). 7 submissions from 7 submitters: Likely pathogenic (2); Uncertain significance (4). 1 of the submissions does not count toward it. Last evaluated 2026-03-03.

Conditions:
Complement component 9 deficiency (C9D). Also called: C9 deficiency. Identifiers: MedGen C3151189, MONDO:0013445, OMIM 613825.
Age related macular degeneration 15. Also called: MACULAR DEGENERATION, AGE-RELATED, 15, SUSCEPTIBILITY TO. Identifiers: MedGen C3810042, MONDO:0014266, OMIM 615591.

Allele frequency attached by ClinVar (database versions not stated): gnomAD 0.00013; TOPMed 0.00017; gnomAD exomes 0.00019 and 0.00032; ExAC 0.00033.
gnomAD v4.1: 305 of 1,614,010 alleles (0.019%); highest among the groups gnomAD compares: Middle Eastern, 0.12%; no homozygotes.

Submissions (7):

Institute of Immunology and Genetics Kaiserslautern
Classification: Likely pathogenic for Complement component 9 deficiency. Last evaluated: 2026-03-03. Review status: criteria provided, single submitter. Criteria: ACMG Guidelines, 2015. Collection method: clinical testing. Allele origin: germline. Affected: yes.
Comment: ACMG Criteria: PS3_P, PS4_P, PM2_P, PM3, PP1, PP3; Variant was found in heterozygous state.

Labcorp Genetics (formerly Invitae), Labcorp
Classification: Likely pathogenic. Last evaluated: 2025-12-23. Review status: criteria provided, single submitter. Criteria: Invitae Variant Classification Sherloc (09022015). Collection method: clinical testing. Allele origin: germline.
Comment: This sequence change replaces cysteine, which is neutral and slightly polar, with glycine, which is neutral and non-polar, at codon 119 of the C9 protein (p.Cys119Gly). This variant is present in population databases (rs121909593, gnomAD 0.2%). This missense change has been observed in individual(s) with C9 deficiency (PMID: 9634479). In at least one individual the data is consistent with being in trans (on the opposite chromosome) from a pathogenic variant. It has also been observed to segregate with disease in related individuals. This variant is also known as Cys98Gly. ClinVar contains an entry for this variant (Variation ID: 17042). Invitae Evidence Modeling of protein sequence and biophysical properties (such as structural, functional, and spatial information, amino acid conservation, physicochemical variation, residue mobility, and thermodynamic stability) indicates that this missense variant is expected to disrupt C9 protein function with a positive predictive value of 80%. In summary, the currently available evidence indicates that the variant is pathogenic, but additional data are needed to prove that conclusively. Therefore, this variant has been classified as Likely Pathogenic.

Blueprint Genetics
Classification: Uncertain significance. Last evaluated: 2024-10-02. Review status: criteria provided, single submitter. Criteria: ACMG Guidelines, 2015. Collection method: clinical testing. Allele origin: germline.

Department of Pathology and Laboratory Medicine, Sinai Health System
Classification: Uncertain significance for complement component 9 deficiency. Last evaluated: 2022-03-25. Review status: criteria provided, single submitter. Criteria: ACMG Guidelines, 2015. Collection method: research. Allele origin: germline.

Fulgent Genetics
Classification: Uncertain significance for Complement component 9 deficiency; Age related macular degeneration 15. Last evaluated: 2022-01-07. Review status: criteria provided, single submitter. Criteria: ACMG Guidelines, 2015. Collection method: clinical testing. Allele origin: unknown.

Center for Genomics, Ann and Robert H. Lurie Children's Hospital of Chicago
Classification: Uncertain significance for Complement component 9 deficiency; Age related macular degeneration 15. Review status: criteria provided, single submitter. Criteria: ACMG Guidelines, 2015. Collection method: clinical testing. Allele origin: germline.
Comment: C9 NM_001737.4 exon 4 p.Cys119Gly (c.355T>G): This variant has been reported in the literature in 1 individual with complement C9 deficiency as a compound heterozygote, in trans with a loss-of-function variant (p.Ser427*). Both of these variants were implied to segregate with disease in 1 affected family member (Witzel-Schlomp 1998 PMID:9634479). This variant is present in 0.2% (22/10360) of Ashkenazi Jewish alleles in the Genome Aggregation Database. This variant is present in ClinVar (Variation ID:17042). Evolutionary conservation and computational predictive tools suggest that this variant may impact the protein. In addition, in vitro functional studies predict that this variant will impact the protein (Witzel-Schlomp 1998 PMID:9634479). However, these studies may not accurately represent in vivo biological function. Of note, splice prediction tools suggest that this variant may affect splicing. However, further studies are needed to understand its impact. In summary, data on this variant is highly suspicious for disease, but requires further evidence for pathogenicity. Therefore, the clinical significance of this variant is uncertain.

OMIM
Classification: Pathogenic for C9 DEFICIENCY. Last evaluated: 1998-07-01. Review status: no assertion criteria provided. Collection method: literature only. Allele origin: germline. Not counted in ClinVar's aggregate classification.

Literature cited by the submitters: PubMed 9634479 (cited by Labcorp Genetics (formerly Invitae), Labcorp and OMIM).